The following is an entry in ClinVar:

NM_000081.4(LYST):c.7457A>G (p.Lys2486Arg)

Gene: LYST (lysosomal trafficking regulator; minus strand). Cytogenetic location: 1q42.3.
Variant type: single nucleotide variant.
Coding change: c.7457A>G on transcript NM_000081.4 (MANE Select); coding-DNA position 7457, A replaced by G.
Protein change: p.Lys2486Arg; replaces lysine 2486 with arginine.
Molecular consequence: missense variant.
Genome position (GRCh38, 1-based): chr1:235,753,047, T>C on the plus strand (A>G on the coding strand, the complement: LYST is on the minus strand). VCF-style: chr1-235753047-T-C. GRCh37 (hg19) VCF-style: chr1-235916347-T-C.
Other names: c.7457A>G, p.Lys2486Arg (NM_001301365.1); short protein forms K2486R.
Identifiers: ClinVar variation 658646 (VCV000658646.5), dbSNP rs765302634, ClinGen allele CA344931187.

ClinVar aggregate classification (germline): Uncertain significance (1 of 4 stars; one submission).

Conditions:
Chédiak-Higashi syndrome (CHS). Also called: Chediak-Higashi Syndrome. Identifiers: Orphanet 167, MedGen C0007965, MONDO:0008963, OMIM 214500.

Submission:

Labcorp Genetics (formerly Invitae), Labcorp
Classification: Uncertain significance for Chédiak-Higashi syndrome. Last evaluated: 2018-12-18. Review status: criteria provided, single submitter. Criteria: Invitae Variant Classification Sherloc (09022015). Collection method: clinical testing. Allele origin: germline.
Comment: This sequence change replaces lysine with arginine at codon 2486 of the LYST protein (p.Lys2486Arg). The lysine residue is weakly conserved and there is a small physicochemical difference between lysine and arginine. In summary, the available evidence is currently insufficient to determine the role of this variant in disease. Therefore, it has been classified as a Variant of Uncertain Significance. Algorithms developed to predict the effect of missense changes on protein structure and function output the following: SIFT: "Tolerated"; PolyPhen-2: "Benign"; Align-GVGD: "Class C0". The arginine amino acid residue is found in multiple mammalian species, suggesting that this missense change does not adversely affect protein function. These predictions have not been confirmed by published functional studies and their clinical significance is uncertain. This variant has not been reported in the literature in individuals with LYST-related conditions. This variant is not present in population databases (ExAC no frequency).